The following is an entry in ClinVar:

NM_022124.6(CDH23):c.5151C>T (p.Cys1717=)

Gene: CDH23 (cadherin related 23; plus strand). Cytogenetic location: 10q22.1.
Variant type: single nucleotide variant.
Coding change: c.5151C>T on transcript NM_022124.6 (MANE Select); coding-DNA position 5151, C replaced by T.
Protein change: p.Cys1717=; no amino-acid change (cysteine 1717 retained).
Molecular consequence: synonymous variant.
Genome position (GRCh38, 1-based): chr10:71,778,272, C>T. VCF-style: chr10-71778272-C-T. GRCh37 (hg19) VCF-style: chr10-73538029-C-T.
Identifiers: ClinVar variation 1549140 (VCV001549140.30), dbSNP rs1840864618, ClinGen allele CA470060197.

ClinVar aggregate classification (germline): Likely benign. Review status: criteria provided, multiple submitters, no conflicts (2 of 4 stars). 2 submissions from 2 submitters: Likely benign (2). Last evaluated 2024-01-01.

Allele frequency attached by ClinVar (database versions not stated): TOPMed below 0.00001.
gnomAD v4.1: 3 of 1,613,948 alleles (0.00019%); highest among the groups gnomAD compares: Non-Finnish European, 0.00017%; no homozygotes.

Submissions (2):

CeGaT Center for Human Genetics Tuebingen
Classification: Likely benign. Last evaluated: 2024-01-01. Review status: criteria provided, single submitter. Criteria: CeGaT Center For Human Genetics Tuebingen Variant Classification Criteria Version 2. Collection method: clinical testing. Allele origin: germline. Affected: yes. Observed: 1 variant allele.
Comment: CDH23: PM2:Supporting, BP4, BP7

Labcorp Genetics (formerly Invitae), Labcorp
Classification: Likely benign. Last evaluated: 2023-09-10. Review status: criteria provided, single submitter. Criteria: Invitae Variant Classification Sherloc (09022015). Collection method: clinical testing. Allele origin: germline.